The following is an entry in ClinVar:

NM_078470.6(COX15):c.980G>A (p.Arg327Gln)

Gene: COX15 (cytochrome c oxidase assembly homolog COX15; minus strand). Cytogenetic location: 10q24.2.
Variant type: single nucleotide variant.
Coding change: c.980G>A on transcript NM_078470.6 (MANE Select); coding-DNA position 980, G replaced by A.
Protein change: p.Arg327Gln; replaces arginine 327 with glutamine.
Molecular consequence: missense variant. On other transcripts: intron variant (2).
Genome position (GRCh38, 1-based): chr10:99,718,353, C>T on the plus strand (G>A on the coding strand, the complement: COX15 is on the minus strand). VCF-style: chr10-99718353-C-T. GRCh37 (hg19) VCF-style: chr10-101478110-C-T.
Other names: c.980G>A, p.Arg327Gln (NM_004376.7, NM_001320974.2, NM_001372024.1 and 2 more transcripts); c.833-1892G>A (NM_001372028.1, NM_001320975.2); c.443G>A, p.Arg148Gln (NM_001320976.2); c.953G>A, p.Arg318Gln (NM_001372026.1); short protein forms R327Q, R148Q, R318Q.
Identifiers: ClinVar variation 2076710 (VCV002076710.1), dbSNP rs199761049, ClinGen allele CA5642126.

ClinVar aggregate classification (germline): Uncertain significance (1 of 4 stars; one submission).

Allele frequency attached by ClinVar (database versions not stated): gnomAD exomes below 0.00001; TOPMed 0.00001; ExAC 0.00002; gnomAD 0.00002; 1000 Genomes Project 0.00020; 1000 Genomes Project 30x 0.00031.
gnomAD v4.1: 10 of 1,614,100 alleles (0.00062%); highest among the groups gnomAD compares: East Asian, 0.011%; no homozygotes.

Submission:

Labcorp Genetics (formerly Invitae), Labcorp
Classification: Uncertain significance. Last evaluated: 2022-04-10. Review status: criteria provided, single submitter. Criteria: Invitae Variant Classification Sherloc (09022015). Collection method: clinical testing. Allele origin: germline.
Comment: This sequence change replaces arginine, which is basic and polar, with glutamine, which is neutral and polar, at codon 327 of the COX15 protein (p.Arg327Gln). This variant is present in population databases (rs199761049, gnomAD 0.006%). This variant has not been reported in the literature in individuals affected with COX15-related conditions. Algorithms developed to predict the effect of missense changes on protein structure and function are either unavailable or do not agree on the potential impact of this missense change (SIFT: "Not Available"; PolyPhen-2: "Probably Damaging"; Align-GVGD: "Not Available"). In summary, the available evidence is currently insufficient to determine the role of this variant in disease. Therefore, it has been classified as a Variant of Uncertain Significance.